The following is an entry in ClinVar:

ClinVar aggregate classification (germline): Uncertain significance (1 of 4 stars; one submission).

Allele frequency attached by ClinVar (database versions not stated): gnomAD exomes below 0.00001.
gnomAD v4.1: 1 of 1,614,188 alleles (0.000062%); highest among the groups gnomAD compares: Non-Finnish European, 0.000085%; no homozygotes.

Submission:

Labcorp Genetics (formerly Invitae), Labcorp
Classification: Uncertain significance. Last evaluated: 2022-07-13. Review status: criteria provided, single submitter. Criteria: Invitae Variant Classification Sherloc (09022015). Collection method: clinical testing. Allele origin: germline.
Comment: In summary, the available evidence is currently insufficient to determine the role of this variant in disease. Therefore, it has been classified as a Variant of Uncertain Significance. Algorithms developed to predict the effect of missense changes on protein structure and function (SIFT, PolyPhen-2, Align-GVGD) all suggest that this variant is likely to be disruptive. This sequence change replaces glycine, which is neutral and non-polar, with aspartic acid, which is acidic and polar, at codon 421 of the KIF20A protein (p.Gly421Asp). This variant is not present in population databases (gnomAD no frequency). This variant has not been reported in the literature in individuals affected with KIF20A-related conditions.

NM_005733.3(KIF20A):c.1262G>A (p.Gly421Asp)

Gene: KIF20A (kinesin family member 20A; plus strand). Cytogenetic location: 5q31.2.
Variant type: single nucleotide variant.
Coding change: c.1262G>A on transcript NM_005733.3 (MANE Select); coding-DNA position 1262, G replaced by A.
Protein change: p.Gly421Asp; replaces glycine 421 with aspartic acid.
Molecular consequence: missense variant.
Genome position (GRCh38, 1-based): chr5:138,184,015, G>A. VCF-style: chr5-138184015-G-A. GRCh37 (hg19) VCF-style: chr5-137519704-G-A.
Other names: short protein forms G421D.
Identifiers: ClinVar variation 1963921 (VCV001963921.5), dbSNP rs2482183976, ClinGen allele CA361115511.